The following is an entry in ClinVar:

NM_001374385.1(ATP8B1):c.87AGA[1] (p.Glu30del)

Gene: ATP8B1 (ATPase phospholipid transporting 8B1; minus strand). Cytogenetic location: 18q21.31.
Variant type: Microsatellite.
Coding change: c.87AGA[1] on transcript NM_001374385.1 (MANE Select); one copy of the 3-base unit AGA starting at c.87; the reference has two copies in a row; one copy, 3 bases deleted; also written c.90_92del.
Protein change: p.Glu30del; deletes glutamic acid 30.
Molecular consequence: inframe deletion.
Genome position (GRCh38, 1-based): chr18:57,731,716-57,731,718, TCT deleted on the plus strand (AGA on the coding strand, the reverse complement: ATP8B1 is on the minus strand); deleting any 3 consecutive bases within chr18:57,731,716-57,731,721 gives the same sequence; the position shown is the placement nearest the transcript's 3' end. VCF-style (leftmost placement, unchanged base first): chr18-57731715-ATCT-A. GRCh37 (hg19) VCF-style: chr18-55398947-ATCT-A.
Other names: c.90_92del (NM_001374385.1); c.35AGA[1], p.Lys13del (NM_001374386.1); c.87AGA[1], p.Glu30del (NM_005603.6); short protein forms E30del, K13del.
Identifiers: ClinVar variation 5005895 (VCV005005895.2).

ClinVar aggregate classification (germline): Uncertain significance (1 of 4 stars; one submission).

Conditions:
Cholestasis, intrahepatic, of pregnancy, 1 (ICP1). Also called: CHOLESTASIS, PREGNANCY-RELATED, 1. Identifiers: Orphanet 69665, MedGen C3549845, MONDO:0007829, OMIM 147480.
Progressive familial intrahepatic cholestasis type 1. Also called: BYLER DISEASE; Severe ATP8B1 Deficiency (Progressive Familial Intrahepatic Cholestasis Type 1 [PFIC1]); Byler's disease. Identifiers: Orphanet 79306, MedGen C4551898, MONDO:0008892, OMIM 211600.
Benign recurrent intrahepatic cholestasis type 1. Also called: SUMMERSKILL SYNDROME; Mild-to-Moderate ATP8B1 Deficiency (Benign Recurrent Intrahepatic Cholestasis 1 [BRIC1]). Identifiers: Orphanet 65682, Orphanet 99960, MedGen C4551899, MONDO:0009469, OMIM 243300.

Submission:

Juno Genomics, Hangzhou Juno Genomics, Inc
Classification: Uncertain significance for Benign recurrent intrahepatic cholestasis type 1; Cholestasis, intrahepatic, of pregnancy, 1; Progressive familial intrahepatic cholestasis type 1. Review status: criteria provided, single submitter. Criteria: ACMG Guidelines, 2015. Collection method: clinical testing. Allele origin: germline.
Comment: Absent from controls (or at extremely low frequency if recessive) in Genome Aggregation Database.;Protein length changes due to in-frame deletions/insertions in a non-repeat region or stop-loss variants.